The following is an entry in ClinVar:

NM_033109.5(PNPT1):c.1442-4A>G

Gene: PNPT1 (polyribonucleotide nucleotidyltransferase 1; minus strand). Cytogenetic location: 2p16.1.
Variant type: single nucleotide variant.
Coding change: c.1442-4A>G on transcript NM_033109.5 (MANE Select); 4 bases into the intron before coding-DNA position 1442, A replaced by G.
Molecular consequence: intron variant.
Genome position (GRCh38, 1-based): chr2:55,654,957, T>C on the plus strand (A>G on the coding strand, the complement: PNPT1 is on the minus strand). VCF-style: chr2-55654957-T-C. GRCh37 (hg19) VCF-style: chr2-55882092-T-C.
Identifiers: ClinVar variation 513285 (VCV000513285.9), dbSNP rs1027454741, ClinGen allele CA47654847.

ClinVar aggregate classification (germline): Likely benign. Review status: criteria provided, multiple submitters, no conflicts (2 of 4 stars). 3 submissions from 3 submitters: Likely benign (3). Last evaluated 2025-10-14.

Allele frequency attached by ClinVar (database versions not stated): gnomAD exomes 0.00001; gnomAD 0.00002; TOPMed 0.00003.
gnomAD v4.1: 12 of 1,611,558 alleles (0.00074%); highest among the groups gnomAD compares: Admixed American, 0.012%; no homozygotes.

Submissions (3):

Labcorp Genetics (formerly Invitae), Labcorp
Classification: Likely benign. Last evaluated: 2025-10-14. Review status: criteria provided, single submitter. Criteria: Invitae Variant Classification Sherloc (09022015). Collection method: clinical testing. Allele origin: germline.

Blueprint Genetics
Classification: Likely benign. Last evaluated: 2022-11-15. Review status: criteria provided, single submitter. Criteria: ACMG Guidelines, 2015. Collection method: clinical testing. Allele origin: germline.

GeneDx
Classification: Likely benign. Last evaluated: 2017-11-24. Review status: criteria provided, single submitter. Criteria: GeneDx Variant Classification (06012015). Collection method: clinical testing. Allele origin: germline. Affected: yes.
Comment: This variant is considered likely benign or benign based on one or more of the following criteria: it is a conservative change, it occurs at a poorly conserved position in the protein, it is predicted to be benign by multiple in silico algorithms, and/or has population frequency not consistent with disease.